The following is an entry in ClinVar:

ClinVar aggregate classification (germline): Uncertain significance (1 of 4 stars; one submission).

Conditions:
Hypoproteinemia, hypercatabolic (IMD43). Also called: IMMUNODEFICIENCY 43; BETA-2-MICROGLOBULIN DEFICIENCY; B2M DEFICIENCY; MHC CLASS I DEFICIENCY 4. Identifiers: MedGen C1855796, MONDO:0009434, OMIM 241600.

Submission:

Labcorp Genetics (formerly Invitae), Labcorp
Classification: Uncertain significance for Hypoproteinemia, hypercatabolic. Last evaluated: 2021-09-04. Review status: criteria provided, single submitter. Criteria: Invitae Variant Classification Sherloc (09022015). Collection method: clinical testing. Allele origin: germline.
Comment: This sequence change replaces isoleucine with valine at codon 21 of the B2M protein (p.Ile21Val). The isoleucine residue is moderately conserved and there is a small physicochemical difference between isoleucine and valine. This variant is not present in population databases (ExAC no frequency). This variant has not been reported in the literature in individuals affected with B2M-related conditions. Algorithms developed to predict the effect of missense changes on protein structure and function output the following: SIFT: "Tolerated"; PolyPhen-2: "Benign"; Align-GVGD: "Class C0". The valine amino acid residue is found in multiple mammalian species, which suggests that this missense change does not adversely affect protein function. In summary, the available evidence is currently insufficient to determine the role of this variant in disease. Therefore, it has been classified as a Variant of Uncertain Significance.

NM_004048.4(B2M):c.61A>G (p.Ile21Val)

Gene: B2M (beta-2-microglobulin; plus strand). Cytogenetic location: 15q21.1.
Variant type: single nucleotide variant.
Coding change: c.61A>G on transcript NM_004048.4 (MANE Select); coding-DNA position 61, A replaced by G.
Protein change: p.Ile21Val; replaces isoleucine 21 with valine.
Molecular consequence: missense variant.
Genome position (GRCh38, 1-based): chr15:44,711,607, A>G. VCF-style: chr15-44711607-A-G. GRCh37 (hg19) VCF-style: chr15-45003805-A-G.
Other names: short protein forms I21V.
Identifiers: ClinVar variation 1379541 (VCV001379541.3), dbSNP rs757230673, ClinGen allele CA392232240.